The following is an entry in ClinVar:

ClinVar aggregate classification (germline): Uncertain significance (1 of 4 stars; one submission).

Submission:

Ambry Genetics
Classification: Uncertain significance. Last evaluated: 2022-03-20. Review status: criteria provided, single submitter. Criteria: Ambry Variant Classification Scheme 2023. Collection method: clinical testing. Allele origin: germline.
Comment: The p.I1013T variant (also known as c.3038T>C), located in coding exon 26 of the PRKDC gene, results from a T to C substitution at nucleotide position 3038. The isoleucine at codon 1013 is replaced by threonine, an amino acid with similar properties. This amino acid position is conserved. In addition, this alteration is predicted to be deleterious by in silico analysis. Since supporting evidence is limited at this time, the clinical significance of this alteration remains unclear.

NM_006904.7(PRKDC):c.3038T>C (p.Ile1013Thr)

Gene: PRKDC (protein kinase, DNA-activated, catalytic subunit; minus strand). Cytogenetic location: 8q11.21.
Variant type: single nucleotide variant.
Coding change: c.3038T>C on transcript NM_006904.7 (MANE Select); coding-DNA position 3038, T replaced by C.
Protein change: p.Ile1013Thr; replaces isoleucine 1013 with threonine.
Molecular consequence: missense variant.
Genome position (GRCh38, 1-based): chr8:47,904,873, A>G on the plus strand (T>C on the coding strand, the complement: PRKDC is on the minus strand). VCF-style: chr8-47904873-A-G. GRCh37 (hg19) VCF-style: chr8-48817433-A-G.
Other names: c.3038T>C, p.Ile1013Thr (NM_001081640.2); short protein forms I1013T.
Identifiers: ClinVar variation 1799109 (VCV001799109.2), dbSNP rs2551875874, ClinGen allele CA371157193.